The following is an entry in ClinVar:

NM_025114.4(CEP290):c.5751G>A (p.Lys1917=)

Gene: CEP290 (centrosomal protein 290; minus strand). Cytogenetic location: 12q21.32.
Variant type: single nucleotide variant.
Coding change: c.5751G>A on transcript NM_025114.4 (MANE Select); coding-DNA position 5751, G replaced by A.
Protein change: p.Lys1917=; no amino-acid change (lysine 1917 retained).
Molecular consequence: synonymous variant.
Genome position (GRCh38, 1-based): chr12:88,071,885, C>T on the plus strand (G>A on the coding strand, the complement: CEP290 is on the minus strand). VCF-style: chr12-88071885-C-T. GRCh37 (hg19) VCF-style: chr12-88465662-C-T.
Other names: c.5751G>A (NM_025114.3).
Identifiers: ClinVar variation 1572136 (VCV001572136.9), dbSNP rs1384070051, ClinGen allele CA481072075.

ClinVar aggregate classification (germline): Likely benign. Review status: criteria provided, multiple submitters, no conflicts (2 of 4 stars). 2 submissions from 2 submitters: Likely benign (2). Last evaluated 2026-04-07.

Conditions:
CEP290-related disorder. Also called: CEP290-related disorders; CEP290-related condition. Identifiers: MedGen CN239314.
Joubert syndrome. Also called: Familial aplasia of the vermis; JOUBERT-BOLTSHAUSER SYNDROME. Identifiers: Orphanet 475, MedGen C5979921, MONDO:0018772.
Meckel-Gruber syndrome. Also called: Dysencephalia splachnocystica; DYSENCEPHALIA SPLANCHNOCYSTICA; GRUBER SYNDROME. Identifiers: Orphanet 564, MedGen C0265215, MONDO:0018921.
Nephronophthisis. Also called: Juvenile Nephronophthisis. Identifiers: Orphanet 655, MedGen C0687120, MONDO:0019005, HP:0000090.

Allele frequency attached by ClinVar (database versions not stated): gnomAD exomes below 0.00001; gnomAD 0.00001; TOPMed 0.00001.
gnomAD v4.1: 2 of 1,602,324 alleles (0.00012%); highest among the groups gnomAD compares: Non-Finnish European, 0.00017%; no homozygotes.

Submissions (2):

PreventionGenetics, part of Exact Sciences
Classification: Likely benign for CEP290-related condition. Last evaluated: 2026-04-07. Review status: criteria provided, single submitter. Criteria: ACMG Guidelines, 2015. Collection method: clinical testing. Allele origin: germline.
Comment: This variant is classified as likely benign based on ACMG/AMP sequence variant interpretation guidelines (Richards et al. 2015 PMID: 25741868, with internal and published modifications).

Labcorp Genetics (formerly Invitae), Labcorp
Classification: Likely benign for Joubert syndrome; Meckel-Gruber syndrome; Nephronophthisis. Last evaluated: 2024-03-30. Review status: criteria provided, single submitter. Criteria: Invitae Variant Classification Sherloc (09022015). Collection method: clinical testing. Allele origin: germline.